The following is an entry in ClinVar:

ClinVar aggregate classification (germline): Benign/Likely benign. Review status: criteria provided, multiple submitters, no conflicts (2 of 4 stars). 4 submissions from 4 submitters: Benign (2); Likely benign (2). Last evaluated 2026-01-29.

Allele frequency attached by ClinVar (database versions not stated): 1000 Genomes Project 0.00040; gnomAD 0.00046 and 0.00048; 1000 Genomes Project 30x 0.00047; TOPMed 0.00142; ExAC 0.00222; gnomAD exomes 0.00248.
gnomAD v4.1: 803 of 1,614,144 alleles (0.05%); highest among the groups gnomAD compares: Admixed American, 1.3%; 7 homozygotes.

Submissions (6):

Labcorp Genetics (formerly Invitae), Labcorp
Classification: Benign. Last evaluated: 2026-01-29. Review status: criteria provided, single submitter. Criteria: Invitae Variant Classification Sherloc (09022015). Collection method: clinical testing. Allele origin: germline.

Blueprint Genetics
Classification: Likely benign. Last evaluated: 2024-09-20. Review status: criteria provided, single submitter. Criteria: ACMG Guidelines, 2015. Collection method: clinical testing. Allele origin: germline.

GeneDx
Classification: Likely benign. Last evaluated: 2022-02-01. Review status: criteria provided, single submitter. Criteria: GeneDx Variant Classification Process June 2021. Collection method: clinical testing. Allele origin: germline. Affected: yes.
Comment: See Variant Classification Assertion Criteria.

Breakthrough Genomics
Classification: Benign. Review status: criteria provided, single submitter. Criteria: ACMG Guidelines, 2015. Collection method: not provided. Allele origin: germline. Inheritance: Unknown mechanism. Affected: yes.

Dr. Peter K. Rogan Lab, Western University
No classification provided (evidence only). Condition: Clear cell carcinoma of kidney. Review status: no classification provided. Collection method: in vitro. Allele origin: not applicable. Functional consequence: skipped exon. Not counted in ClinVar's aggregate classification.

Dr. Peter K. Rogan Lab, Western University
No classification provided (evidence only). Condition: Thyroid cancer, nonmedullary, 1. Review status: no classification provided. Collection method: in vitro. Allele origin: not applicable. Functional consequence: skipped exon. Not counted in ClinVar's aggregate classification.

NM_015158.5(KANK1):c.2725T>G (p.Cys909Gly)

Gene: KANK1 (KN motif and ankyrin repeat domains 1; plus strand). Cytogenetic location: 9p24.3.
Variant type: single nucleotide variant.
Coding change: c.2725T>G on transcript NM_015158.5 (MANE Select); coding-DNA position 2725, T replaced by G.
Protein change: p.Cys909Gly; replaces cysteine 909 with glycine.
Molecular consequence: missense variant. On other transcripts: non-coding transcript variant (1).
Genome position (GRCh38, 1-based): chr9:730,077, T>G. VCF-style: chr9-730077-T-G. GRCh37 (hg19) VCF-style: chr9-730077-T-G.
Other names: c.2725T>G, p.Cys909Gly (NM_001256876.3, NM_001256877.3, NM_001354331.2 and 2 more transcripts); c.2251T>G, p.Cys751Gly (NM_001354333.2, NM_001354335.2, NM_001354336.2 and 9 more transcripts); short protein forms C751G, C909G.
Identifiers: ClinVar variation 718875 (VCV000718875.13), dbSNP rs188742425, ClinGen allele CA4960604.